The following is an entry in ClinVar:

NM_006393.3(NEBL):c.903+26G>A

Gene: NEBL (nebulette; minus strand). Cytogenetic location: 10p12.31.
Variant type: single nucleotide variant.
Coding change: c.903+26G>A on transcript NM_006393.3 (MANE Select); 26 bases into the intron after coding-DNA position 903, G replaced by A.
Molecular consequence: intron variant.
Genome position (GRCh38, 1-based): chr10:20,858,214, C>T on the plus strand (G>A on the coding strand, the complement: NEBL is on the minus strand). VCF-style: chr10-20858214-C-T. GRCh37 (hg19) VCF-style: chr10-21147143-C-T.
Other names: c.250-45274G>A (NM_001377326.1, NM_001377327.1, NM_001377328.1); c.358-45274G>A (NM_213569.2, NM_001173484.2, NM_001377322.1); c.301-45274G>A (NM_001377324.1); c.292-45274G>A (NM_001377325.1); c.310-45274G>A (NM_001377323.1).
Identifiers: ClinVar variation 675768 (VCV000675768.1), dbSNP rs58005377, ClinGen allele CA5433058.

ClinVar aggregate classification (germline): Likely benign (1 of 4 stars; one submission).

Allele frequency attached by ClinVar (database versions not stated): gnomAD exomes 0.00105 and 0.00266; ExAC 0.00320; gnomAD 0.01030 and 0.01130; 1000 Genomes Project 0.01098; ESP Exome Variant Server 0.01099; 1000 Genomes Project 30x 0.01171; TOPMed 0.01196.
gnomAD v4.1: 3,057 of 1,528,856 alleles (0.2%); highest among the groups gnomAD compares: African/African-American, 3.8%; 52 homozygotes.

Submission:

GeneDx
Classification: Likely benign. Last evaluated: 2018-06-16. Review status: criteria provided, single submitter. Criteria: GeneDx Variant Classification (06012015). Collection method: clinical testing. Allele origin: germline. Affected: yes.
Comment: This variant is considered likely benign or benign based on one or more of the following criteria: it is a conservative change, it occurs at a poorly conserved position in the protein, it is predicted to be benign by multiple in silico algorithms, and/or has population frequency not consistent with disease.